The following is an entry in ClinVar:

NM_172351.3(CD46):c.692C>A (p.Pro231Gln)

Gene: CD46 (CD46 molecule; plus strand). Cytogenetic location: 1q32.2.
Variant type: single nucleotide variant.
Coding change: c.692C>A on transcript NM_172351.3 (MANE Select); coding-DNA position 692, C replaced by A.
Protein change: p.Pro231Gln; replaces proline 231 with glutamine.
Molecular consequence: missense variant.
Genome position (GRCh38, 1-based): chr1:207,767,031, C>A. VCF-style: chr1-207767031-C-A. GRCh37 (hg19) VCF-style: chr1-207940376-C-A.
Other names: c.692C>A, p.Pro231Gln (NM_002389.4, NM_153826.4, NM_172350.3 and 8 more transcripts); short protein forms P231Q.
Identifiers: ClinVar variation 2743934 (VCV002743934.3), dbSNP rs1271761432, ClinGen allele CA344550719.

ClinVar aggregate classification (germline): Uncertain significance (1 of 4 stars; one submission).

Submission:

Labcorp Genetics (formerly Invitae), Labcorp
Classification: Uncertain significance. Last evaluated: 2023-07-16. Review status: criteria provided, single submitter. Criteria: Invitae Variant Classification Sherloc (09022015). Collection method: clinical testing. Allele origin: germline.
Comment: This sequence change replaces proline, which is neutral and non-polar, with glutamine, which is neutral and polar, at codon 231 of the CD46 protein (p.Pro231Gln). In summary, the available evidence is currently insufficient to determine the role of this variant in disease. Therefore, it has been classified as a Variant of Uncertain Significance. Advanced modeling of protein sequence and biophysical properties (such as structural, functional, and spatial information, amino acid conservation, physicochemical variation, residue mobility, and thermodynamic stability) performed at Invitae indicates that this missense variant is expected to disrupt CD46 protein function. This variant has not been reported in the literature in individuals affected with CD46-related conditions. This variant is not present in population databases (gnomAD no frequency).